The following is an entry in ClinVar:

ClinVar aggregate classification (germline): Uncertain significance. Review status: criteria provided, multiple submitters, no conflicts (2 of 4 stars). 4 submissions from 3 submitters: Uncertain significance (4). Last evaluated 2022-10-23.

Conditions:
Hereditary cancer-predisposing syndrome. Also called: Hereditary Cancer Syndrome; Neoplastic Syndromes, Hereditary; Tumor predisposition; Hereditary neoplastic syndrome. Identifiers: Orphanet 140162, MedGen C0027672, MeSH D009386, MONDO:0015356.
Cardiovascular phenotype. Identifiers: MedGen CN230736.
Neurofibromatosis, type 1 (NF1). Also called: Neurofibromatosis, type I; VON RECKLINGHAUSEN DISEASE; NEUROFIBROMATOSIS, TYPE I, SOMATIC; Peripheral type neurofibromatosis. Identifiers: Orphanet 636, MedGen C0027831, MONDO:0018975, OMIM 162200. Disease mechanism: loss of function.

Allele frequency attached by ClinVar (database versions not stated): gnomAD exomes below 0.00001.

Submissions (4):

Labcorp Genetics (formerly Invitae), Labcorp
Classification: Uncertain significance for Neurofibromatosis, type 1. Last evaluated: 2022-10-23. Review status: criteria provided, single submitter. Criteria: Invitae Variant Classification Sherloc (09022015). Collection method: clinical testing. Allele origin: germline.
Comment: This sequence change replaces threonine, which is neutral and polar, with serine, which is neutral and polar, at codon 1677 of the NF1 protein (p.Thr1677Ser). This variant is not present in population databases (gnomAD no frequency). This variant has not been reported in the literature in individuals affected with NF1-related conditions. ClinVar contains an entry for this variant (Variation ID: 231197). Advanced modeling of protein sequence and biophysical properties (such as structural, functional, and spatial information, amino acid conservation, physicochemical variation, residue mobility, and thermodynamic stability) performed at Invitae indicates that this missense variant is not expected to disrupt NF1 protein function. In summary, the available evidence is currently insufficient to determine the role of this variant in disease. Therefore, it has been classified as a Variant of Uncertain Significance.

Genome-Nilou Lab
Classification: Uncertain significance for Neurofibromatosis, type 1. Last evaluated: 2022-03-15. Review status: criteria provided, single submitter. Criteria: ACMG Guidelines, 2015. Collection method: clinical testing. Allele origin: germline. Affected: no.

Ambry Genetics
Classification: Uncertain significance for Cardiovascular phenotype; Hereditary cancer-predisposing syndrome. Last evaluated: 2019-08-16. Review status: criteria provided, single submitter. Criteria: Ambry Variant Classification Scheme 2023. Collection method: clinical testing. Allele origin: germline.

Ambry Genetics
Classification: Uncertain significance for Hereditary cancer-predisposing syndrome. Last evaluated: 2015-04-07. Review status: criteria provided, single submitter. Criteria: Ambry Autosomal Dominant and X-Linked criteria (10/2015). Collection method: clinical testing. Allele origin: germline. Observed: 1 variant allele.
Comment: The p.T1698S variant (also known as c.5092A>T), located in coding exon 37 of the NF1 gene, results from an A to T substitution at nucleotide position 5092. The threonine at codon 1698 is replaced by serine, an amino acid with similar properties. This variant was not reported in population based cohorts in the following databases: Database of Single Nucleotide Polymorphisms (dbSNP), NHLBI Exome Sequencing Project (ESP), and 1000 Genomes Project. In the ESP, this variant was not observed in 6503 samples (13006 alleles) with coverage at this position.<span style="font-family:arial,sans-serif; font-size:9pt">To date, this alteration has been detected with an allele frequency of approximately 0.003% (greater than 30000alleles tested) in our clinical cohort. Based on protein <span style="font-family:arial,sans-serif; font-size:9pt">sequence alignment, thisamino acid position is highly conserved in available vertebrate species. In addition, the in silico prediction for this alteration is inconclusive.<span style="font-family:arial,sans-serif; font-size:9pt">Since supporting evidence is limited at this time, the clinical significance of p.T1698S<span style="font-family:arial,sans-serif; font-size:9pt">remains unclear

NM_001042492.3(NF1):c.5092A>T (p.Thr1698Ser)

Gene: NF1 (neurofibromin 1; plus strand). Cytogenetic location: 17q11.2.
Variant type: single nucleotide variant.
Coding change: c.5092A>T on transcript NM_001042492.3 (MANE Select); coding-DNA position 5092, A replaced by T.
Protein change: p.Thr1698Ser; replaces threonine 1698 with serine.
Molecular consequence: missense variant.
Genome position (GRCh38, 1-based): chr17:31,326,076, A>T. VCF-style: chr17-31326076-A-T. GRCh37 (hg19) VCF-style: chr17-29653094-A-T.
Other names: c.5029A>T, p.Thr1677Ser (NM_000267.4); short protein forms T1677S, T1698S.
Identifiers: ClinVar variation 231197 (VCV000231197.13), dbSNP rs876659017, ClinGen allele CA10580334.